The following is an entry in ClinVar:

ClinVar aggregate classification (germline): Uncertain significance (1 of 4 stars; one submission).

Conditions:
Miller syndrome (POADS). Also called: GENEE-WIEDEMANN SYNDROME; Genee-Wiedemann acrofacial dysostosis. Identifiers: Orphanet 246, MedGen C0265257, MONDO:0009903, OMIM 263750.

Submission:

Laboratorio de Biologia Molecular/Medicina Genomica - IFF/Fiocruz, Instituto Fernandes Figueira, Fundacao Oswaldo Cruz
Classification: Uncertain significance for Miller syndrome. Last evaluated: 2025-09-02. Review status: criteria provided, single submitter. Criteria: ACMG Guidelines, 2015. Collection method: clinical testing. Allele origin: germline. Affected: yes. Observed: 1 variant allele.
Comment: Variant: c.661C>T (p.Arg221Trp) identified in exon 5 of the DHODH gene. Protein effect: Missense variant at a highly conserved residue. In silico tools: Predict a deleterious impact. Population database (gnomAD): Extremely rare. Segregation/phase data: Internal analysis, without confirmation of phase, identified this variant in trans with a novel variant of uncertain significance. ACMG/AMP criteria applied: PM2_Supporting, PP3.

NM_001361.5(DHODH):c.661C>T (p.Arg221Trp)

Gene: DHODH (dihydroorotate dehydrogenase (quinone); plus strand). Cytogenetic location: 16q22.2.
Variant type: single nucleotide variant.
Coding change: c.661C>T on transcript NM_001361.5 (MANE Select); coding-DNA position 661, C replaced by T.
Protein change: p.Arg221Trp; replaces arginine 221 with tryptophan.
Molecular consequence: missense variant.
Genome position (GRCh38, 1-based): chr16:72,021,267, C>T. VCF-style: chr16-72021267-C-T. GRCh37 (hg19) VCF-style: chr16-72055166-C-T.
Other names: short protein forms R221W.
Identifiers: ClinVar variation 4795172 (VCV004795172.1).